The following is an entry in ClinVar:

NM_000080.4(CHRNE):c.*43T>C

Gene: CHRNE (cholinergic receptor nicotinic epsilon subunit; minus strand). Cytogenetic location: 17p13.2.
Variant type: single nucleotide variant.
Coding change: c.*43T>C on transcript NM_000080.4 (MANE Select); 43 bases downstream of the stop codon, T replaced by C.
Molecular consequence: 3 prime UTR variant.
Genome position (GRCh38, 1-based): chr17:4,898,693, A>G on the plus strand (T>C on the coding strand, the complement: CHRNE is on the minus strand). VCF-style: chr17-4898693-A-G. GRCh37 (hg19) VCF-style: chr17-4801988-A-G.
Other names: c.*43T>C (LRG_1254t1).
Identifiers: ClinVar variation 254885 (VCV000254885.7), dbSNP rs2229200, ClinGen allele CA8313784.

ClinVar aggregate classification (germline): Benign/Likely benign. Review status: criteria provided, multiple submitters, no conflicts (2 of 4 stars). 3 submissions from 3 submitters: Benign (1); Likely benign (2). Last evaluated 2018-01-13.

Conditions:
Congenital myasthenic syndrome (CMS). Also called: Congenital Myasthenic Syndromes. Identifiers: Orphanet 590, MedGen C0751882, MeSH D020294, MONDO:0018940.

Allele frequency attached by ClinVar (database versions not stated): gnomAD 0.03101; gnomAD exomes 0.00521 and 0.01070; ExAC 0.01451; TOPMed 0.03545; ESP Exome Variant Server 0.03595; 1000 Genomes Project 0.03614; 1000 Genomes Project 30x 0.03951.
gnomAD v4.1: 12,911 of 1,589,882 alleles (0.81%); highest among the groups gnomAD compares: African/African-American, 11%; 459 homozygotes.

Submissions (3):

Illumina Laboratory Services, Illumina
Classification: Benign for Congenital myasthenic syndrome. Last evaluated: 2018-01-13. Review status: criteria provided, single submitter. Criteria: ICSL Variant Classification Criteria 13 December 2019. Collection method: clinical testing. Allele origin: germline.
Comment: This variant was observed in the ICSL laboratory as part of a predisposition screen in an ostensibly healthy population. It had not been previously curated by ICSL or reported in the Human Gene Mutation Database (HGMD: prior to June 1st, 2018), and was therefore a candidate for classification through an automated scoring system. Utilizing variant allele frequency, disease prevalence and penetrance estimates, and inheritance mode, an automated score was calculated to assess if this variant is too frequent to cause the disease. Based on the score and internal cut-off values, a variant classified as benign is not then subjected to further curation. The score for this variant resulted in a classification of benign for this disease.

Breakthrough Genomics
Classification: Likely benign. Review status: criteria provided, single submitter. Criteria: ACMG Guidelines, 2015. Collection method: not provided. Allele origin: germline. Inheritance: Autosomal recessive inheritance. Affected: yes.

PreventionGenetics, part of Exact Sciences
Classification: Likely benign. Review status: criteria provided, single submitter. Criteria: ACMG Guidelines, 2015. Collection method: clinical testing. Allele origin: germline.